The following is an entry in ClinVar:

NM_001848.3(COL6A1):c.596G>A (p.Arg199His)

Gene: COL6A1 (collagen type VI alpha 1 chain; plus strand). Cytogenetic location: 21q22.3.
Variant type: single nucleotide variant.
Coding change: c.596G>A on transcript NM_001848.3 (MANE Select); coding-DNA position 596, G replaced by A.
Protein change: p.Arg199His; replaces arginine 199 with histidine.
Molecular consequence: missense variant.
Genome position (GRCh38, 1-based): chr21:45,986,951, G>A. VCF-style: chr21-45986951-G-A. GRCh37 (hg19) VCF-style: chr21-47406865-G-A.
Other names: p.Arg199His; short protein forms R199H.
Identifiers: ClinVar variation 580849 (VCV000580849.10), dbSNP rs201213605, ClinGen allele CA10069631.

ClinVar aggregate classification (germline): Conflicting classifications of pathogenicity. Review status: criteria provided, conflicting classifications (1 of 4 stars). 2 submissions from 2 submitters: Uncertain significance (1); Likely benign (1). Last evaluated 2026-01-19.

Conditions:
Bethlem myopathy 1A. Also called: Bethlem myopathy 1; MYOPATHY, BENIGN CONGENITAL, WITH CONTRACTURES; Bethlem Muscular Dystrophy. Identifiers: Orphanet 610, MedGen CN029274, MONDO:0024530, OMIM 158810.

Allele frequency attached by ClinVar (database versions not stated): gnomAD 0.00001; gnomAD exomes 0.00001; ExAC 0.00006; 1000 Genomes Project 30x 0.00016; 1000 Genomes Project 0.00020.
gnomAD v4.1: 17 of 1,550,598 alleles (0.0011%); highest among the groups gnomAD compares: Non-Finnish European, 0.0014%; no homozygotes.

Submissions (2):

Labcorp Genetics (formerly Invitae), Labcorp
Classification: Likely benign for Bethlem myopathy 1A. Last evaluated: 2026-01-19. Review status: criteria provided, single submitter. Criteria: Invitae Variant Classification Sherloc (09022015). Collection method: clinical testing. Allele origin: germline.

Mayo Clinic Laboratories, Mayo Clinic
Classification: Uncertain significance. Last evaluated: 2025-05-20. Review status: criteria provided, single submitter. Criteria: ACMG Guidelines, 2015. Collection method: clinical testing. Allele origin: germline. Observed: 1 variant allele.
Comment: PP3_moderate